The following is an entry in ClinVar:

NM_001378452.1(ITPR1):c.6876C>T (p.Ala2292=)

Gene: ITPR1 (inositol 1,4,5-trisphosphate receptor type 1; plus strand). Cytogenetic location: 3p26.1.
Variant type: single nucleotide variant.
Coding change: c.6876C>T on transcript NM_001378452.1 (MANE Select); coding-DNA position 6876, C replaced by T.
Protein change: p.Ala2292=; no amino-acid change (alanine 2292 retained).
Molecular consequence: synonymous variant.
Genome position (GRCh38, 1-based): chr3:4,795,132, C>T. VCF-style: chr3-4795132-C-T. GRCh37 (hg19) VCF-style: chr3-4836816-C-T.
Other names: c.6732C>T, p.Ala2244= (NM_001099952.4); c.6831C>T, p.Ala2277= (NM_001168272.2); c.6687C>T, p.Ala2229= (NM_002222.7).
Identifiers: ClinVar variation 719171 (VCV000719171.11), dbSNP rs373926844, ClinGen allele CA2232703.

ClinVar aggregate classification (germline): Likely benign. Review status: criteria provided, multiple submitters, no conflicts (2 of 4 stars). 3 submissions from 3 submitters: Likely benign (2). 1 of the submissions does not count toward it. Last evaluated 2024-10-22.

Conditions:
ITPR1-related disorder. Also called: ITPR1-related condition.

Allele frequency attached by ClinVar (database versions not stated): gnomAD exomes 0.00011; ExAC 0.00012; TOPMed 0.00008; gnomAD 0.00019; ESP Exome Variant Server 0.00024.
gnomAD v4.1: 253 of 1,613,676 alleles (0.016%); highest among the groups gnomAD compares: Non-Finnish European, 0.02%; no homozygotes.

Submissions (3):

Labcorp Genetics (formerly Invitae), Labcorp
Classification: Likely benign. Last evaluated: 2024-10-22. Review status: criteria provided, single submitter. Criteria: Invitae Variant Classification Sherloc (09022015). Collection method: clinical testing. Allele origin: germline.

GeneDx
Classification: Likely benign. Last evaluated: 2020-03-27. Review status: criteria provided, single submitter. Criteria: GeneDx Variant Classification Process June 2021. Collection method: clinical testing. Allele origin: germline. Affected: yes.

PreventionGenetics, part of Exact Sciences
Classification: Likely benign for ITPR1-related condition. Last evaluated: 2024-03-20. Review status: no assertion criteria provided. Collection method: clinical testing. Allele origin: germline. Not counted in ClinVar's aggregate classification.
Comment: This variant is classified as likely benign based on ACMG/AMP sequence variant interpretation guidelines (Richards et al. 2015 PMID: 25741868, with internal and published modifications).